The following is an entry in ClinVar:

ClinVar aggregate classification (germline): Uncertain significance (1 of 4 stars; one submission).

Submission:

GeneDx
Classification: Uncertain significance. Last evaluated: 2024-12-18. Review status: criteria provided, single submitter. Criteria: GeneDx Variant Classification Process June 2021. Collection method: clinical testing. Allele origin: germline. Affected: yes.
Comment: Has not been previously published as pathogenic or benign to our knowledge; In silico analysis supports that this missense variant has a deleterious effect on protein structure/function; Not observed at significant frequency in large population cohorts (gnomAD); This variant is associated with the following publications: (PMID: 18602572)

NM_139276.3(STAT3):c.1238T>A (p.Leu413Gln)

Gene: STAT3 (signal transducer and activator of transcription 3; minus strand). Cytogenetic location: 17q21.2.
Variant type: single nucleotide variant.
Coding change: c.1238T>A on transcript NM_139276.3 (MANE Select); coding-DNA position 1238, T replaced by A.
Protein change: p.Leu413Gln; replaces leucine 413 with glutamine.
Molecular consequence: missense variant.
Genome position (GRCh38, 1-based): chr17:42,329,453, A>T on the plus strand (T>A on the coding strand, the complement: STAT3 is on the minus strand). VCF-style: chr17-42329453-A-T. GRCh37 (hg19) VCF-style: chr17-40481471-A-T.
Other names: c.1238T>A, p.Leu413Gln (NM_001369512.1, NM_001369513.1, NM_001369514.1 and 12 more transcripts); c.1160T>A, p.Leu387Gln (NM_001384985.1); c.1253T>A, p.Leu418Gln (NM_001384986.1, NM_001384990.1); c.1142T>A, p.Leu381Gln (NM_001384989.1); c.1178T>A, p.Leu393Gln (NM_001384992.1); short protein forms L381Q, L387Q, L393Q, L413Q, L418Q.
Identifiers: ClinVar variation 2501467 (VCV002501467.2), dbSNP rs2144767730, ClinGen allele CA399588510.